The following is an entry in ClinVar:

ClinVar aggregate classification (germline): Uncertain significance (1 of 4 stars; one submission).

Conditions:
Familial hypokalemia-hypomagnesemia (GTLMNS). Also called: HYPOMAGNESEMIA-HYPOKALEMIA, PRIMARY RENOTUBULAR, WITH HYPOCALCIURIA; POTASSIUM AND MAGNESIUM DEPLETION; gitelman syndrome. Identifiers: Orphanet 358, MedGen C0268450, MONDO:0009904, OMIM 263800.

Allele frequency attached by ClinVar (database versions not stated): gnomAD exomes below 0.00001.
gnomAD v4.1: 1 of 1,613,898 alleles (0.000062%); highest among the groups gnomAD compares: Non-Finnish European, 0.000085%; no homozygotes.

Submission:

MVZ Medizinische Genetik Mainz
Classification: Uncertain significance for Familial hypokalemia-hypomagnesemia. Last evaluated: 2022-05-20. Review status: criteria provided, single submitter. Criteria: UK Practice Guidelines For Variant Classification V4 01 2020. Collection method: clinical testing. Allele origin: germline. Inheritance: Autosomal recessive inheritance. Affected: yes. Observed: 1 variant allele.
Comment: ACMG Criteria: PM5, PM2_SUP, PP3, PP4 (ACMG Version 3)

NM_001126108.2(SLC12A3):c.634G>C (p.Gly212Arg)

Gene: SLC12A3 (solute carrier family 12 member 3; plus strand). Cytogenetic location: 16q13.
Variant type: single nucleotide variant.
Coding change: c.634G>C on transcript NM_001126108.2 (MANE Select); coding-DNA position 634, G replaced by C.
Protein change: p.Gly212Arg; replaces glycine 212 with arginine.
Molecular consequence: missense variant.
Genome position (GRCh38, 1-based): chr16:56,870,128, G>C. VCF-style: chr16-56870128-G-C. GRCh37 (hg19) VCF-style: chr16-56904040-G-C.
Other names: c.634G>C, p.Gly212Arg (NM_000339.3); c.631G>C, p.Gly211Arg (NM_001126107.2, NM_001410896.1); short protein forms G211R, G212R.
Identifiers: ClinVar variation 3236146 (VCV003236146.1), dbSNP rs1238543321, ClinGen allele CA395981636.